The following is an entry in ClinVar:

ClinVar aggregate classification (germline): Uncertain significance (1 of 4 stars; one submission).

Allele frequency attached by ClinVar (database versions not stated): gnomAD exomes below 0.00001; TOPMed below 0.00001.
gnomAD v4.1: 4 of 1,614,202 alleles (0.00025%); highest among the groups gnomAD compares: Non-Finnish European, 0.00034%; no homozygotes.

Submission:

GeneDx
Classification: Uncertain significance. Last evaluated: 2019-05-01. Review status: criteria provided, single submitter. Criteria: GeneDx Variant Classification Process June 2021. Collection method: clinical testing. Allele origin: germline. Affected: yes.
Comment: Not observed in large population cohorts (Lek et al., 2016); In silico analysis, which includes protein predictors and evolutionary conservation, supports a deleterious effect; Has not been previously published as pathogenic or benign to our knowledge; Variants in candidate genes are classified as variants of uncertain significance in accordance with ACMG guidelines (Richards et al., 2015)

NM_014516.4(CNOT3):c.1781C>T (p.Pro594Leu)

Gene: CNOT3 (CCR4-NOT transcription complex subunit 3; plus strand). Cytogenetic location: 19q13.42.
Variant type: single nucleotide variant.
Coding change: c.1781C>T on transcript NM_014516.4 (MANE Select); coding-DNA position 1781, C replaced by T.
Protein change: p.Pro594Leu; replaces proline 594 with leucine.
Molecular consequence: missense variant.
Genome position (GRCh38, 1-based): chr19:54,152,503, C>T. VCF-style: chr19-54152503-C-T. GRCh37 (hg19) VCF-style: chr19-54656240-C-T.
Other names: short protein forms P594L.
Identifiers: ClinVar variation 1305267 (VCV001305267.2), dbSNP rs2075175945, ClinGen allele CA407769305.